The following is an entry in ClinVar:

ClinVar aggregate classification (germline): Uncertain significance (1 of 4 stars; one submission).

Submission:

GeneDx
Classification: Uncertain significance. Last evaluated: 2025-02-25. Review status: criteria provided, single submitter. Criteria: GeneDx Variant Classification Process June 2021. Collection method: clinical testing. Allele origin: germline. Affected: yes.
Comment: Not observed at significant frequency in large population cohorts (gnomAD); In silico analysis supports that this missense variant has a deleterious effect on protein structure/function; Has not been previously published as pathogenic or benign to our knowledge

NM_006618.5(KDM5B):c.1801A>C (p.Asn601His)

Gene: KDM5B (lysine demethylase 5B; minus strand). Cytogenetic location: 1q32.1.
Variant type: single nucleotide variant.
Coding change: c.1801A>C on transcript NM_006618.5 (MANE Select); coding-DNA position 1801, A replaced by C.
Protein change: p.Asn601His; replaces asparagine 601 with histidine.
Molecular consequence: missense variant.
Genome position (GRCh38, 1-based): chr1:202,750,679, T>G on the plus strand (A>C on the coding strand, the complement: KDM5B is on the minus strand). VCF-style: chr1-202750679-T-G. GRCh37 (hg19) VCF-style: chr1-202719807-T-G.
Other names: c.1909A>C, p.Asn637His (NM_001314042.2); c.1666A>C, p.Asn556His (NM_001347591.2); c.1786A>C, p.Asn596His (NM_001399817.1); short protein forms N556H, N596H, N601H, N637H.
Identifiers: ClinVar variation 4082650 (VCV004082650.1).
Genomic context (GRCh38, chr1:202,750,679, plus strand): 5'-CAATAAATTTGAAAAGGTTAACTACATTGTAATTACATACCCAATCAACAGTGCAGAAGT[T>G]AACAGCCTCAGCAAAATTAAAACCCTGGTTAAAACCACTGTGGTAGGCTCTTGGAAATGT-3'
Protein context (NP_006609.3, residues 591-611): NQGFNFAEAV[Asn601His]FCTVDWLPLG